The following is an entry in ClinVar:

NM_017433.5(MYO3A):c.1828A>G (p.Ile610Val)

Gene: MYO3A (myosin IIIA; plus strand). Cytogenetic location: 10p12.1.
Variant type: single nucleotide variant.
Coding change: c.1828A>G on transcript NM_017433.5 (MANE Select); coding-DNA position 1828, A replaced by G.
Protein change: p.Ile610Val; replaces isoleucine 610 with valine.
Molecular consequence: missense variant.
Genome position (GRCh38, 1-based): chr10:26,120,727, A>G. VCF-style: chr10-26120727-A-G. GRCh37 (hg19) VCF-style: chr10-26409656-A-G.
Other names: short protein forms I610V.
Identifiers: ClinVar variation 445495 (VCV000445495.18), dbSNP rs151254539, ClinGen allele CA5444789.

ClinVar aggregate classification (germline): Uncertain significance. Review status: criteria provided, multiple submitters, no conflicts (2 of 4 stars). 7 submissions from 7 submitters: Uncertain significance (7). Last evaluated 2025-08-11.

Conditions:
Autosomal recessive nonsyndromic hearing loss 30. Identifiers: Orphanet 90636, MedGen C1846784, MONDO:0011774, OMIM 607101.
Inborn genetic diseases. Identifiers: MedGen C0950123, MeSH D030342.

Allele frequency attached by ClinVar (database versions not stated): gnomAD 0.00012 and 0.00013; ESP Exome Variant Server 0.00015; TOPMed 0.00021.
gnomAD v4.1: 343 of 1,614,126 alleles (0.021%); highest among the groups gnomAD compares: Middle Eastern, 0.12%; no homozygotes.

Submissions (7):

Ambry Genetics
Classification: Uncertain significance for Inborn genetic diseases. Last evaluated: 2025-08-11. Review status: criteria provided, single submitter. Criteria: Ambry Variant Classification Scheme 2023. Collection method: clinical testing. Allele origin: germline.

GeneDx
Classification: Uncertain significance. Last evaluated: 2025-04-16. Review status: criteria provided, single submitter. Criteria: GeneDx Variant Classification Process June 2021. Collection method: clinical testing. Allele origin: germline. Affected: yes.
Comment: In silico analysis indicates that this missense variant does not alter protein structure/function; This variant is associated with the following publications: (PMID: 37811145)

Labcorp Genetics (formerly Invitae), Labcorp
Classification: Uncertain significance. Last evaluated: 2025-01-08. Review status: criteria provided, single submitter. Criteria: Invitae Variant Classification Sherloc (09022015). Collection method: clinical testing. Allele origin: germline.
Comment: This sequence change replaces isoleucine, which is neutral and non-polar, with valine, which is neutral and non-polar, at codon 610 of the MYO3A protein (p.Ile610Val). This variant is present in population databases (rs151254539, gnomAD 0.1%). This variant has not been reported in the literature in individuals affected with MYO3A-related conditions. ClinVar contains an entry for this variant (Variation ID: 445495). Invitae Evidence Modeling of protein sequence and biophysical properties (such as structural, functional, and spatial information, amino acid conservation, physicochemical variation, residue mobility, and thermodynamic stability) indicates that this missense variant is not expected to disrupt MYO3A protein function with a negative predictive value of 80%. In summary, the available evidence is currently insufficient to determine the role of this variant in disease. Therefore, it has been classified as a Variant of Uncertain Significance.

Fulgent Genetics
Classification: Uncertain significance for Autosomal recessive nonsyndromic hearing loss 30. Last evaluated: 2018-10-31. Review status: criteria provided, single submitter. Criteria: ACMG Guidelines, 2015. Collection method: clinical testing. Allele origin: unknown.

Illumina Laboratory Services, Illumina
Classification: Uncertain significance for Autosomal recessive nonsyndromic hearing loss 30. Last evaluated: 2018-01-13. Review status: criteria provided, single submitter. Criteria: ICSL Variant Classification Criteria 13 December 2019. Collection method: clinical testing. Allele origin: germline.

Center for Pediatric Genomic Medicine, Children's Mercy Hospital and Clinics
Classification: Uncertain significance. Last evaluated: 2017-06-22. Review status: criteria provided, single submitter. Criteria: ACMG Guidelines, 2015. Collection method: clinical testing. Allele origin: germline.

Breakthrough Genomics
Classification: Uncertain significance. Review status: criteria provided, single submitter. Criteria: ACMG Guidelines, 2015. Collection method: not provided. Allele origin: germline. Inheritance: Autosomal recessive inheritance. Affected: yes.